The following is an entry in ClinVar:

ClinVar aggregate classification (germline): Uncertain significance (1 of 4 stars; one submission).

Allele frequency attached by ClinVar (database versions not stated): gnomAD exomes 0.00001.
gnomAD v4.1: 8 of 1,607,914 alleles (0.0005%); highest among the groups gnomAD compares: East Asian, 0.016%; no homozygotes.

Submission:

Labcorp Genetics (formerly Invitae), Labcorp
Classification: Uncertain significance. Last evaluated: 2023-10-07. Review status: criteria provided, single submitter. Criteria: Invitae Variant Classification Sherloc (09022015). Collection method: clinical testing. Allele origin: germline.
Comment: This sequence change replaces isoleucine, which is neutral and non-polar, with valine, which is neutral and non-polar, at codon 217 of the XRCC4 protein (p.Ile217Val). This variant is present in population databases (no rsID available, gnomAD 0.006%). This variant has not been reported in the literature in individuals affected with XRCC4-related conditions. Advanced modeling of protein sequence and biophysical properties (such as structural, functional, and spatial information, amino acid conservation, physicochemical variation, residue mobility, and thermodynamic stability) performed at Invitae indicates that this missense variant is not expected to disrupt XRCC4 protein function. In summary, the available evidence is currently insufficient to determine the role of this variant in disease. Therefore, it has been classified as a Variant of Uncertain Significance.

NM_003401.5(XRCC4):c.649A>G (p.Ile217Val)

Gene: XRCC4 (X-ray repair cross complementing 4; plus strand). Cytogenetic location: 5q14.2.
Variant type: single nucleotide variant.
Coding change: c.649A>G on transcript NM_003401.5 (MANE Select); coding-DNA position 649, A replaced by G.
Protein change: p.Ile217Val; replaces isoleucine 217 with valine.
Molecular consequence: missense variant.
Genome position (GRCh38, 1-based): chr5:83,204,825, A>G. VCF-style: chr5-83204825-A-G. GRCh37 (hg19) VCF-style: chr5-82500644-A-G.
Other names: c.649A>G, p.Ile217Val (NM_001131022.1, NM_001318012.3, NM_001318013.2 and 2 more transcripts); short protein forms I217V.
Identifiers: ClinVar variation 2997383 (VCV002997383.1), dbSNP rs1348464342, ClinGen allele CA360359133.